The following is an entry in ClinVar:

ClinVar aggregate classification (germline): Uncertain significance (1 of 4 stars; one submission).

gnomAD v4.1: 7 of 1,614,114 alleles (0.00043%); highest among the groups gnomAD compares: African/African-American, 0.0013%; no homozygotes.

Submission:

Athena Diagnostics
Classification: Uncertain significance. Last evaluated: 2024-05-22. Review status: criteria provided, single submitter. Criteria: Athena Diagnostics Criteria. Collection method: clinical testing. Allele origin: unknown.
Comment: Available data are insufficient to determine the clinical significance of the variant at this time. The frequency of this variant in the general population is uninformative in assessment of its pathogenicity. Polyphen and MutationTaster predict this amino acid change may be benign.

NM_182961.4(SYNE1):c.3129T>G (p.Asp1043Glu)

Gene: SYNE1 (spectrin repeat containing nuclear envelope protein 1; minus strand). Cytogenetic location: 6q25.2.
Variant type: single nucleotide variant.
Coding change: c.3129T>G on transcript NM_182961.4 (MANE Select); coding-DNA position 3129, T replaced by G.
Protein change: p.Asp1043Glu; replaces aspartic acid 1043 with glutamic acid.
Molecular consequence: missense variant.
Genome position (GRCh38, 1-based): chr6:152,451,104, A>C on the plus strand (T>G on the coding strand, the complement: SYNE1 is on the minus strand). VCF-style: chr6-152451104-A-C. GRCh37 (hg19) VCF-style: chr6-152772239-A-C.
Other names: c.3150T>G, p.Asp1050Glu (NM_033071.5); short protein forms D1043E, D1050E.
Identifiers: ClinVar variation 3571830 (VCV003571830.1).